The following is an entry in ClinVar:

NM_002439.5(MSH3):c.422G>A (p.Cys141Tyr)

Gene: MSH3 (mutS homolog 3; plus strand). Cytogenetic location: 5q14.1.
Variant type: single nucleotide variant.
Coding change: c.422G>A on transcript NM_002439.5 (MANE Select); coding-DNA position 422, G replaced by A.
Protein change: p.Cys141Tyr; replaces cysteine 141 with tyrosine.
Molecular consequence: missense variant.
Genome position (GRCh38, 1-based): chr5:80,665,206, G>A. VCF-style: chr5-80665206-G-A. GRCh37 (hg19) VCF-style: chr5-79961025-G-A.
Other names: short protein forms C141Y.
Identifiers: ClinVar variation 2806377 (VCV002806377.3), dbSNP rs1749541470, ClinGen allele CA360263313.
Genomic context (GRCh38, chr5:80,665,206, plus strand): 5'-CAAAGAAATGTCTGAGGACCAGGAATGTTTCAAAGTCTCTGGAAAAATTGAAAGAATTCT[G>A]CTGCGATTCTGCCCTTCCTCAAAGTAGAGTCCAGACAGAATCTCTGCAGGAGAGATTTGC-3'
Protein context (NP_002430.3, residues 131-151): SKSLEKLKEF[Cys141Tyr]CDSALPQSRV

ClinVar aggregate classification (germline): Uncertain significance (1 of 4 stars; one submission).

Submission:

Labcorp Genetics (formerly Invitae), Labcorp
Classification: Uncertain significance. Last evaluated: 2025-11-11. Review status: criteria provided, single submitter. Criteria: Invitae Variant Classification Sherloc (09022015). Collection method: clinical testing. Allele origin: germline.
Comment: This sequence change replaces cysteine, which is neutral and slightly polar, with tyrosine, which is neutral and polar, at codon 141 of the MSH3 protein (p.Cys141Tyr). This variant is not present in population databases (gnomAD no frequency). This variant has not been reported in the literature in individuals affected with MSH3-related conditions. ClinVar contains an entry for this variant (Variation ID: 2806377). An algorithm developed to predict the effect of missense changes on protein structure and function outputs the following: PolyPhen-2: "Benign". The tyrosine amino acid residue is found in multiple mammalian species, which suggests that this missense change does not adversely affect protein function. In summary, the available evidence is currently insufficient to determine the role of this variant in disease. Therefore, it has been classified as a Variant of Uncertain Significance.